The following is an entry in ClinVar:

ClinVar aggregate classification (germline): Likely benign (1 of 4 stars; one submission).

gnomAD v4.1: 82 of 1,614,024 alleles (0.0051%); highest among the groups gnomAD compares: Non-Finnish European, 0.0054%; no homozygotes.

Submission:

CeGaT Center for Human Genetics Tuebingen
Classification: Likely benign. Last evaluated: 2026-01-01. Review status: criteria provided, single submitter. Criteria: CeGaT Center For Human Genetics Tuebingen Variant Classification Criteria Version 2. Collection method: clinical testing. Allele origin: germline. Affected: yes. Observed: 1 variant allele.
Comment: ERI1: BP4, BP7

NM_153332.4(ERI1):c.981A>G (p.Leu327=)

Gene: ERI1 (exoribonuclease 1). Cytogenetic location: 8p23.1.
Variant type: single nucleotide variant.
Coding change: c.981A>G on transcript NM_153332.4 (MANE Select); coding-DNA position 981, A replaced by G.
Protein change: p.Leu327=; no amino-acid change (leucine 327 retained).
Molecular consequence: synonymous variant. On other transcripts: intron variant (1).
Genome position (GRCh38, 1-based): chr8:9,029,965, A>G. VCF-style: chr8-9029965-A-G. GRCh37 (hg19) VCF-style: chr8-8887475-A-G.
Other names: c.747A>G, p.Leu249= (NM_001354635.2); c.636A>G, p.Leu212= (NM_001354636.2); c.807+9501A>G (NM_001354638.2).
Identifiers: ClinVar variation 4821934 (VCV004821934.4).